The following is an entry in ClinVar:

NM_001025356.3(ANO6):c.998+5C>G

Gene: ANO6 (anoctamin 6; plus strand). Cytogenetic location: 12q12.
Variant type: single nucleotide variant.
Coding change: c.998+5C>G on transcript NM_001025356.3 (MANE Select); 5 bases into the intron after coding-DNA position 998, C replaced by G.
Molecular consequence: intron variant.
Genome position (GRCh38, 1-based): chr12:45,357,429, C>G. VCF-style: chr12-45357429-C-G. GRCh37 (hg19) VCF-style: chr12-45751212-C-G.
Other names: c.998+5C>G (NM_001142679.2, NM_001025356.2); c.1061+5C>G (NM_001204803.2); c.944+5C>G (NM_001142678.2).
Identifiers: ClinVar variation 2053469 (VCV002053469.8), dbSNP rs138627790, ClinGen allele CA6525153.
Genomic context (GRCh38, chr12:45,357,429, plus strand): 5'-GTAGGAGTGGCTTGCTTTCTCTATGGATATCTTAATCAAGATAACTGTACATGGAGGTAA[C>G]CTCTGTTTATTCCTTGTTGCCATGCTGAAAAGTTTATTAGACATAAAATTATTTTCATGG-3'

ClinVar aggregate classification (germline): Benign/Likely benign. Review status: criteria provided, multiple submitters, no conflicts (2 of 4 stars). 3 submissions from 3 submitters: Benign (1); Likely benign (1). 1 of the submissions does not count toward it. Last evaluated 2026-06-01.

Conditions:
ANO6-related disorder. Also called: ANO6-related condition.

Allele frequency attached by ClinVar (database versions not stated): gnomAD exomes 0.00027; ExAC 0.00083; 1000 Genomes Project 0.00160; 1000 Genomes Project 30x 0.00203; gnomAD 0.00311; TOPMed 0.00369; ESP Exome Variant Server 0.00400.
gnomAD v4.1: 892 of 1,613,148 alleles (0.055%); highest among the groups gnomAD compares: African/African-American, 1%; 3 homozygotes.

Submissions (3):

CeGaT Center for Human Genetics Tuebingen
Classification: Likely benign. Last evaluated: 2026-06-01. Review status: criteria provided, single submitter. Criteria: CeGaT Center For Human Genetics Tuebingen Variant Classification Criteria Version 2. Collection method: clinical testing. Allele origin: germline. Affected: yes. Observed: 1 variant allele.
Comment: ANO6: BP4, BS1

Labcorp Genetics (formerly Invitae), Labcorp
Classification: Benign. Last evaluated: 2026-01-27. Review status: criteria provided, single submitter. Criteria: Invitae Variant Classification Sherloc (09022015). Collection method: clinical testing. Allele origin: germline.

PreventionGenetics, part of Exact Sciences
Classification: Benign for ANO6-related condition. Last evaluated: 2019-07-01. Review status: no assertion criteria provided. Collection method: clinical testing. Allele origin: germline. Not counted in ClinVar's aggregate classification.
Comment: This variant is classified as benign based on ACMG/AMP sequence variant interpretation guidelines (Richards et al. 2015 PMID: 25741868, with internal and published modifications).